The following is an entry in ClinVar:

ClinVar aggregate classification (germline): Likely pathogenic (1 of 4 stars; one submission).

Conditions:
Primary ciliary dyskinesia 3. Identifiers: Orphanet 244, MedGen C1837618, MONDO:0012085, OMIM 608644.

Submission:

Myriad Genetics, Inc.
Classification: Likely pathogenic for Primary ciliary dyskinesia 3. Last evaluated: 2026-07-27. Review status: criteria provided, single submitter. Criteria: Myriad Autosomal Dominant, Autosomal Recessive and X-Linked Classification Criteria (2023). Collection method: clinical testing. Allele origin: unknown.
Comment: NM_001369.2(DNAH5):c.2984_2987delACAG(D995Vfs*7) is a frameshift variant classified as likely pathogenic in the context of primary ciliary dyskinesia, DNAH5-related. D995Vfs*7 has not been observed in cases with relevant disease. Relevant functional assessments of this variant are not available in the literature. D995Vfs*7 has not been observed in referenced population frequency databases. In summary, NM_001369.2(DNAH5):c.2984_2987delACAG(D995Vfs*7) is a frameshift variant in a gene where loss of function is a known mechanism of disease and is predicted to disrupt protein function. Please note: this variant was assessed in the context of healthy population screening.

NC_000005.10:g.13883094_13883097del

Genes: DNAH5 (dynein axonemal heavy chain 5; minus strand), DNAH5-AS1 (DNAH5 antisense RNA 1; plus strand). Cytogenetic location: 5p15.2.
Variant type: Deletion.
Genome position: GRCh38 VCF-style: chr5-13883090-ACTGT-A. GRCh37 (hg19) VCF-style: chr5-13883199-ACTGT-A.
Identifiers: ClinVar variation 5003837 (VCV005003837.1).